The following is an entry in ClinVar:

ClinVar aggregate classification (germline): Uncertain significance (1 of 4 stars; one submission).

Allele frequency attached by ClinVar (database versions not stated): TOPMed 0.00001.
gnomAD v4.1: 14 of 1,614,098 alleles (0.00087%); highest among the groups gnomAD compares: East Asian, 0.0022%; no homozygotes.

Submission:

Labcorp Genetics (formerly Invitae), Labcorp
Classification: Uncertain significance. Last evaluated: 2024-12-02. Review status: criteria provided, single submitter. Criteria: Invitae Variant Classification Sherloc (09022015). Collection method: clinical testing. Allele origin: germline.
Comment: This sequence change replaces methionine, which is neutral and non-polar, with valine, which is neutral and non-polar, at codon 26 of the TMEM106B protein (p.Met26Val). This variant is present in population databases (no rsID available, gnomAD 0.0009%). This variant has not been reported in the literature in individuals affected with TMEM106B-related conditions. ClinVar contains an entry for this variant (Variation ID: 1423461). An algorithm developed to predict the effect of missense changes on protein structure and function (PolyPhen-2) suggests that this variant is likely to be tolerated. In summary, the available evidence is currently insufficient to determine the role of this variant in disease. Therefore, it has been classified as a Variant of Uncertain Significance.

NM_001134232.2(TMEM106B):c.76A>G (p.Met26Val)

Gene: TMEM106B (transmembrane protein 106B; plus strand). Cytogenetic location: 7p21.3.
Variant type: single nucleotide variant.
Coding change: c.76A>G on transcript NM_001134232.2 (MANE Select); coding-DNA position 76, A replaced by G.
Protein change: p.Met26Val; replaces methionine 26 with valine.
Molecular consequence: missense variant.
Genome position (GRCh38, 1-based): chr7:12,214,886, A>G. VCF-style: chr7-12214886-A-G. GRCh37 (hg19) VCF-style: chr7-12254512-A-G.
Other names: c.76A>G, p.Met26Val (NM_018374.4); short protein forms M26V.
Identifiers: ClinVar variation 1423461 (VCV001423461.6), dbSNP rs1014945897, ClinGen allele CA153940283.
Genomic context (GRCh38, chr7:12,214,886, plus strand): 5'-TCTCATTTGCCTTTGCATTCAAGCAAAGAAGATGCTTATGATGGAGTCACATCTGAAAAC[A>G]TGAGGAATGGACTGGTTAATAGTGAAGTCCATAATGAAGATGGAAGAAATGGAGATGTCT-3'
Protein context (NP_001127704.1, residues 16-36): DAYDGVTSEN[Met26Val]RNGLVNSEVH